The following is an entry in ClinVar:

NM_004415.4(DSP):c.4011G>C (p.Glu1337Asp)

Gene: DSP (desmoplakin; plus strand). Cytogenetic location: 6p24.3.
Variant type: single nucleotide variant.
Coding change: c.4011G>C on transcript NM_004415.4 (MANE Select); coding-DNA position 4011, G replaced by C.
Protein change: p.Glu1337Asp; replaces glutamic acid 1337 with aspartic acid.
Molecular consequence: missense variant. On other transcripts: intron variant (1).
Genome position (GRCh38, 1-based): chr6:7,580,201, G>C. VCF-style: chr6-7580201-G-C. GRCh37 (hg19) VCF-style: chr6-7580434-G-C.
Other names: c.4011G>C, p.Glu1337Asp (NM_001319034.2); c.3582+429G>C (NM_001008844.3); short protein forms E1337D.
Identifiers: ClinVar variation 3750154 (VCV003750154.2).

ClinVar aggregate classification (germline): Uncertain significance (1 of 4 stars; one submission).

Conditions:
Arrhythmogenic right ventricular dysplasia 8 (ARVD8). Also called: Arrhythmogenic Right Ventricular Dysplasia/Cardiomyopathy 8; ARRHYTHMOGENIC RIGHT VENTRICULAR DYSPLASIA, FAMILIAL, 8; ARRHYTHMOGENIC RIGHT VENTRICULAR CARDIOMYOPATHY 8. Identifiers: MedGen C1843896, MONDO:0011831, OMIM 607450.
Arrhythmogenic cardiomyopathy with wooly hair and keratoderma. Also called: PALMOPLANTAR KERATODERMA WITH LEFT VENTRICULAR CARDIOMYOPATHY AND WOOLLY HAIR; Carvajal syndrome; Dilated cardiomyopathy with woolly hair and keratoderma; Arrhythmogenic cardiomyopathy with woolly hair and keratoderma. Identifiers: Orphanet 65282, MedGen C1854063, MONDO:0011581, OMIM 605676.

Submission:

Labcorp Genetics (formerly Invitae), Labcorp
Classification: Uncertain significance for Arrhythmogenic cardiomyopathy with wooly hair and keratoderma; Arrhythmogenic right ventricular dysplasia 8. Last evaluated: 2024-07-01. Review status: criteria provided, single submitter. Criteria: Invitae Variant Classification Sherloc (09022015). Collection method: clinical testing. Allele origin: germline.
Comment: This sequence change replaces glutamic acid, which is acidic and polar, with aspartic acid, which is acidic and polar, at codon 1337 of the DSP protein (p.Glu1337Asp). This variant is not present in population databases (gnomAD no frequency). This variant has not been reported in the literature in individuals affected with DSP-related conditions. An algorithm developed to predict the effect of missense changes on protein structure and function (PolyPhen-2) suggests that this variant is likely to be disruptive. In summary, the available evidence is currently insufficient to determine the role of this variant in disease. Therefore, it has been classified as a Variant of Uncertain Significance.